The following is an entry in ClinVar:

ClinVar aggregate classification (germline): Pathogenic (1 of 4 stars; one submission).

Submission:

Labcorp Genetics (formerly Invitae), Labcorp
Classification: Pathogenic. Last evaluated: 2021-04-11. Review status: criteria provided, single submitter. Criteria: Invitae Variant Classification Sherloc (09022015). Collection method: clinical testing. Allele origin: germline.
Comment: For these reasons, this variant has been classified as Pathogenic. This variant has not been reported in the literature in individuals with TGM1-related conditions. This variant is not present in population databases (ExAC no frequency). This sequence change creates a premature translational stop signal (p.Leu205Argfs*125) in the TGM1 gene. It is expected to result in an absent or disrupted protein product. Loss-of-function variants in TGM1 are known to be pathogenic (PMID: 18948357, 19241467).

Literature cited by the submitters: PubMed 18948357; PubMed 19241467.

NM_000359.3(TGM1):c.614del (p.Leu205fs)

Gene: TGM1 (transglutaminase 1; minus strand). Cytogenetic location: 14q12.
Variant type: Deletion.
Coding change: c.614del on transcript NM_000359.3 (MANE Select); coding-DNA position 614, one base deleted (T; older notation c.614delT).
Protein change: p.Leu205fs; shifts the reading frame from leucine 205.
Molecular consequence: frameshift variant.
Genome position (GRCh38, 1-based): chr14:24,260,593, A deleted on the plus strand (T on the coding strand, the reverse complement: TGM1 is on the minus strand). VCF-style (leftmost placement, unchanged base first): chr14-24260592-CA-C. GRCh37 (hg19) VCF-style: chr14-24729798-CA-C.
Other names: short protein forms L205fs.
Identifiers: ClinVar variation 1407149 (VCV001407149.6), dbSNP rs2139026230, ClinGen allele CA2573149816.